The following is an entry in ClinVar:

ClinVar aggregate classification (germline): Uncertain significance (1 of 4 stars; one submission).

Allele frequency attached by ClinVar (database versions not stated): ExAC 0.00001.
gnomAD v4.1: 1 of 1,613,744 alleles (0.000062%); highest among the groups gnomAD compares: Admixed American, 0.0017%; no homozygotes.

Submission:

Labcorp Genetics (formerly Invitae), Labcorp
Classification: Uncertain significance. Last evaluated: 2023-12-18. Review status: criteria provided, single submitter. Criteria: Invitae Variant Classification Sherloc (09022015). Collection method: clinical testing. Allele origin: germline.
Comment: This sequence change falls in intron 3 of the ZNF408 gene. It does not directly change the encoded amino acid sequence of the ZNF408 protein. It affects a nucleotide within the consensus splice site. This variant is present in population databases (rs773004980, gnomAD 0.0009%). This variant has not been reported in the literature in individuals affected with ZNF408-related conditions. ClinVar contains an entry for this variant (Variation ID: 2109178). Variants that disrupt the consensus splice site are a relatively common cause of aberrant splicing (PMID: 17576681, 9536098). Algorithms developed to predict the effect of sequence changes on RNA splicing suggest that this variant may disrupt the consensus splice site. In summary, the available evidence is currently insufficient to determine the role of this variant in disease. Therefore, it has been classified as a Variant of Uncertain Significance.

Literature cited by the submitters: PubMed 17576681; PubMed 9536098.

NM_024741.3(ZNF408):c.393-3C>A

Gene: ZNF408 (zinc finger protein 408; plus strand). Cytogenetic location: 11p11.2.
Variant type: single nucleotide variant.
Coding change: c.393-3C>A on transcript NM_024741.3 (MANE Select); 3 bases into the intron before coding-DNA position 393, C replaced by A.
Molecular consequence: intron variant.
Genome position (GRCh38, 1-based): chr11:46,702,981, C>A. VCF-style: chr11-46702981-C-A. GRCh37 (hg19) VCF-style: chr11-46724531-C-A.
Other names: c.369-3C>A (NM_001184751.2).
Identifiers: ClinVar variation 2109178 (VCV002109178.4), dbSNP rs773004980, ClinGen allele CA5966341.